The following is an entry in ClinVar:

NM_024642.5(GALNT12):c.1052G>T (p.Gly351Val)

Gene: GALNT12 (polypeptide N-acetylgalactosaminyltransferase 12; plus strand). Cytogenetic location: 9q22.33.
Variant type: single nucleotide variant.
Coding change: c.1052G>T on transcript NM_024642.5 (MANE Select); coding-DNA position 1052, G replaced by T.
Protein change: p.Gly351Val; replaces glycine 351 with valine.
Molecular consequence: missense variant.
Genome position (GRCh38, 1-based): chr9:98,836,988, G>T. VCF-style: chr9-98836988-G-T. GRCh37 (hg19) VCF-style: chr9-101599270-G-T.
Other names: short protein forms G351V.
Identifiers: ClinVar variation 3596131 (VCV003596131.3).

ClinVar aggregate classification (germline): Uncertain significance. Review status: criteria provided, multiple submitters, no conflicts (2 of 4 stars). 2 submissions from 2 submitters: Uncertain significance (2). Last evaluated 2024-03-07.

Conditions:
Colorectal cancer, susceptibility to, 1. Also called: COLORECTAL ADENOMA AND CANCER, SUSCEPTIBILITY TO; COLORECTAL CANCER, SUSCEPTIBILITY TO, ON CHROMOSOME 9. Identifiers: MedGen C1837315, MONDO:0012132, OMIM 608812.

gnomAD v4.1: 1 of 1,613,940 alleles (0.000062%); highest among the groups gnomAD compares: African/African-American, 0.0013%; no homozygotes.

Submissions (2):

Labcorp Genetics (formerly Invitae), Labcorp
Classification: Uncertain significance. Last evaluated: 2024-03-07. Review status: criteria provided, single submitter. Criteria: Invitae Variant Classification Sherloc (09022015). Collection method: clinical testing. Allele origin: germline.
Comment: This sequence change replaces glycine, which is neutral and non-polar, with valine, which is neutral and non-polar, at codon 351 of the GALNT12 protein (p.Gly351Val). This variant is not present in population databases (gnomAD no frequency). This variant has not been reported in the literature in individuals affected with GALNT12-related conditions. Advanced modeling of protein sequence and biophysical properties (such as structural, functional, and spatial information, amino acid conservation, physicochemical variation, residue mobility, and thermodynamic stability) performed at Invitae indicates that this missense variant is expected to disrupt GALNT12 protein function with a positive predictive value of 80%. In summary, the available evidence is currently insufficient to determine the role of this variant in disease. Therefore, it has been classified as a Variant of Uncertain Significance.

Fulgent Genetics
Classification: Uncertain significance for Colorectal cancer, susceptibility to, 1. Last evaluated: 2024-01-29. Review status: criteria provided, single submitter. Criteria: ACMG Guidelines, 2015. Collection method: clinical testing. Allele origin: germline.